The following is an entry in ClinVar:

NM_001613.4(ACTA2):c.991-8A>G

Genes: ACTA2-AS1 (ACTA2 antisense RNA 1; plus strand), ACTA2 (actin alpha 2, smooth muscle; minus strand). Cytogenetic location: 10q23.31.
Variant type: single nucleotide variant.
Coding change: c.991-8A>G on transcript NM_001613.4 (MANE Select); 8 bases into the intron before coding-DNA position 991, A replaced by G.
Molecular consequence: intron variant. On other transcripts: non-coding transcript variant (1).
Genome position (GRCh38, 1-based): chr10:88,935,374, T>C on the plus strand (A>G on the coding strand, the complement: ACTA2 is on the minus strand). VCF-style: chr10-88935374-T-C. GRCh37 (hg19) VCF-style: chr10-90695131-T-C.
Other names: c.862-8A>G (NM_001406467.1, NM_001406468.1, NM_001406469.1); c.991-8A>G (NM_001320855.2, NM_001406462.1, NM_001141945.3 and 2 more transcripts); c.799-8A>G (NM_001406471.1); c.880-8A>G (NM_001406466.1).
Identifiers: ClinVar variation 1129602 (VCV001129602.11), dbSNP rs1564641232, ClinGen allele CA470729139.

ClinVar aggregate classification (germline): Likely benign. Review status: criteria provided, multiple submitters, no conflicts (2 of 4 stars). 2 submissions from 2 submitters: Likely benign (2). Last evaluated 2023-10-23.

Conditions:
Familial thoracic aortic aneurysm and aortic dissection (TAAD). Also called: Thoracic aortic aneurysms and dissections. Identifiers: Orphanet 91387, MedGen C4707243, MONDO:0019625.
Aortic aneurysm, familial thoracic 6 (AAT6). Also called: FAMILIAL THORACIC AORTIC ANEURYSM WITH LIVEDO RETICULARIS AND IRIS FLOCCULI. Identifiers: MedGen C2673186, MONDO:0012730, OMIM 611788.

Submissions (2):

All of Us Research Program, National Institutes of Health
Classification: Likely benign for Familial thoracic aortic aneurysm and aortic dissection. Last evaluated: 2023-10-23. Review status: criteria provided, single submitter. Criteria: ACMG Guidelines, 2015. Collection method: clinical testing. Allele origin: germline. Inheritance: Autosomal dominant inheritance. Observed: 1 variant allele, 1 heterozygote.
Comment: This study involves interpretation of variants in research participants for the purpose of population health screening. Participant phenotype was not available at the time of variant classification. Additional details can be found in publication PMID: 35346344, PMCID: PMC8962531

Labcorp Genetics (formerly Invitae), Labcorp
Classification: Likely benign for Aortic aneurysm, familial thoracic 6. Last evaluated: 2019-08-22. Review status: criteria provided, single submitter. Criteria: Invitae Variant Classification Sherloc (09022015). Collection method: clinical testing. Allele origin: germline.